The following is an entry in ClinVar:

NM_015271.5(TRIM2):c.1505G>A (p.Arg502Gln)

Gene: TRIM2 (tripartite motif containing 2; plus strand). Cytogenetic location: 4q31.3.
Variant type: single nucleotide variant.
Coding change: c.1505G>A on transcript NM_015271.5 (MANE Select); coding-DNA position 1505, G replaced by A.
Protein change: p.Arg502Gln; replaces arginine 502 with glutamine.
Molecular consequence: missense variant.
Genome position (GRCh38, 1-based): chr4:153,296,031, G>A. VCF-style: chr4-153296031-G-A. GRCh37 (hg19) VCF-style: chr4-154217183-G-A.
Other names: c.1424G>A, p.Arg475Gln (NM_001130067.2, NM_001351056.2, NM_001375512.1 and 5 more transcripts); c.1478G>A, p.Arg493Gln (NM_001351054.2); c.1475G>A, p.Arg492Gln (NM_001351055.2); c.1049G>A, p.Arg350Gln (NM_001351057.2); c.1598G>A, p.Arg533Gln (NM_001375488.1); c.1595G>A, p.Arg532Gln (NM_001375489.1); c.1448G>A, p.Arg483Gln (NM_001375490.1); c.1445G>A, p.Arg482Gln (NM_001375491.1); and 4 more; short protein forms R389Q, R390Q, R391Q, R493Q, R350Q, R482Q, R502Q, R475Q.
Identifiers: ClinVar variation 2199061 (VCV002199061.8), dbSNP rs769236248, ClinGen allele CA3108748.

ClinVar aggregate classification (germline): Uncertain significance. Review status: criteria provided, multiple submitters, no conflicts (2 of 4 stars). 4 submissions from 4 submitters: Uncertain significance (4). Last evaluated 2025-02-25.

Conditions:
Charcot-Marie-Tooth disease type 2R. Also called: Charcot-Marie-Tooth disease, axonal, type 2R; CHARCOT-MARIE-TOOTH DISEASE, AXONAL, AUTOSOMAL RECESSIVE, TYPE 2R; CHARCOT-MARIE-TOOTH NEUROPATHY, TYPE 2R. Identifiers: Orphanet 397968, MedGen C3809655, MONDO:0014208, OMIM 615490.

Allele frequency attached by ClinVar (database versions not stated): ExAC 0.00001; gnomAD 0.00001.
gnomAD v4.1: 10 of 1,522,258 alleles (0.00066%); highest among the groups gnomAD compares: Non-Finnish European, 0.00079%; no homozygotes.

Submissions (5):

Women's Health and Genetics/Laboratory Corporation of America, LabCorp
Classification: Uncertain significance. Last evaluated: 2025-02-25. Review status: criteria provided, single submitter. Criteria: LabCorp Variant Classification Summary - May 2015. Collection method: clinical testing. Allele origin: germline.
Comment: Variant summary: TRIM2 c.1424G>A (p.Arg475Gln) results in a conservative amino acid change located in the NHL repeat (IPR001258) of the encoded protein sequence. Three of five in-silico tools predict a benign effect of the variant on protein function. The variant allele was found at a frequency of 5.6e-06 in 178338 control chromosomes (gnomAD). The available data on variant occurrences in the general population are insufficient to allow any conclusion about variant significance. To our knowledge, no occurrence of c.1424G>A in individuals affected with Charcot-Marie-Tooth disease type 2R and no experimental evidence demonstrating its impact on protein function have been reported. ClinVar contains an entry for this variant (Variation ID: 2199061). Based on the evidence outlined above, the variant was classified as uncertain significance.

Ambry Genetics
Classification: Uncertain significance. Last evaluated: 2024-12-22. Review status: criteria provided, single submitter. Criteria: Ambry Variant Classification Scheme 2023. Collection method: clinical testing. Allele origin: germline.

Labcorp Genetics (formerly Invitae), Labcorp
Classification: Uncertain significance for Charcot-Marie-Tooth disease type 2R. Last evaluated: 2022-06-12. Review status: criteria provided, single submitter. Criteria: Invitae Variant Classification Sherloc (09022015). Collection method: clinical testing. Allele origin: germline.
Comment: This variant has not been reported in the literature in individuals affected with TRIM2-related conditions. This variant is not present in population databases (gnomAD no frequency). This sequence change replaces arginine, which is basic and polar, with glutamine, which is neutral and polar, at codon 475 of the TRIM2 protein (p.Arg475Gln). Algorithms developed to predict the effect of missense changes on protein structure and function are either unavailable or do not agree on the potential impact of this missense change (SIFT: "Deleterious"; PolyPhen-2: "Benign"; Align-GVGD: "Class C0"). In summary, the available evidence is currently insufficient to determine the role of this variant in disease. Therefore, it has been classified as a Variant of Uncertain Significance. Algorithms developed to predict the effect of sequence changes on RNA splicing suggest that this variant may create or strengthen a splice site.

Blueprint Genetics
Classification: Uncertain significance. Last evaluated: 2020-03-26. Review status: criteria provided, single submitter. Criteria: ACMG Guidelines, 2015. Collection method: clinical testing. Allele origin: germline.

Dr. Peter K. Rogan Lab, Western University
No classification provided (evidence only). Condition: Nonpapillary renal cell carcinoma. Review status: no classification provided. Collection method: in vitro. Allele origin: not applicable. Functional consequence: retained intron. Not counted in ClinVar's aggregate classification.